The following is an entry in ClinVar:

NM_000059.4(BRCA2):c.1658T>C (p.Leu553Ser)

Gene: BRCA2 (BRCA2 DNA repair associated; plus strand). Cytogenetic location: 13q13.1.
Variant type: single nucleotide variant.
Coding change: c.1658T>C on transcript NM_000059.4 (MANE Select); coding-DNA position 1658, T replaced by C.
Protein change: p.Leu553Ser; replaces leucine 553 with serine.
Molecular consequence: missense variant.
Genome position (GRCh38, 1-based): chr13:32,333,136, T>C. VCF-style: chr13-32333136-T-C. GRCh37 (hg19) VCF-style: chr13-32907273-T-C.
Other names: short protein forms L553S.
Identifiers: ClinVar variation 232220 (VCV000232220.14), dbSNP rs876659627, ClinGen allele CA10579500.

ClinVar aggregate classification (germline): Conflicting classifications of pathogenicity. Review status: criteria provided, conflicting classifications (1 of 4 stars). 3 submissions from 3 submitters: Uncertain significance (2); Likely benign (1). Last evaluated 2024-09-22.

Conditions:
Hereditary cancer-predisposing syndrome. Also called: Neoplastic Syndromes, Hereditary; Tumor predisposition; Hereditary Cancer Syndrome; Hereditary neoplastic syndrome. Identifiers: Orphanet 140162, MedGen C0027672, MeSH D009386, MONDO:0015356.
Hereditary breast ovarian cancer syndrome. Also called: BRCA1- and BRCA2-Associated Hereditary Breast and Ovarian Cancer; Hereditary breast and ovarian cancer syndrome; Hereditary breast and ovarian cancer; Hereditary breast and ovarian cancer syndrome (HBOC); Breast and ovarian cancer; Hereditary breast and/or ovarian cancer syndrome. Identifiers: Orphanet 145, MedGen C0677776, MeSH D061325, MONDO:0003582. Disease mechanism: loss of function.

Allele frequency attached by ClinVar (database versions not stated): gnomAD exomes below 0.00001 and 0.00001.
gnomAD v4.1: 7 of 1,614,082 alleles (0.00043%); highest among the groups gnomAD compares: Non-Finnish European, 0.00051%; no homozygotes.

Submissions (3):

Ambry Genetics
Classification: Uncertain significance for Hereditary cancer-predisposing syndrome. Last evaluated: 2024-09-22. Review status: criteria provided, single submitter. Criteria: Ambry Variant Classification Scheme 2023. Collection method: clinical testing. Allele origin: germline.
Comment: The p.L553S variant (also known as c.1658T>C), located in coding exon 9 of the BRCA2 gene, results from a T to C substitution at nucleotide position 1658. The leucine at codon 553 is replaced by serine, an amino acid with dissimilar properties. This amino acid position is well conserved in available vertebrate species. In addition, this alteration is predicted to be tolerated by in silico analysis. Since supporting evidence is limited at this time, the clinical significance of this alteration remains unclear.

Labcorp Genetics (formerly Invitae), Labcorp
Classification: Uncertain significance for Hereditary breast ovarian cancer syndrome. Last evaluated: 2023-12-27. Review status: criteria provided, single submitter. Criteria: Invitae Variant Classification Sherloc (09022015). Collection method: clinical testing. Allele origin: germline.
Comment: This sequence change replaces leucine, which is neutral and non-polar, with serine, which is neutral and polar, at codon 553 of the BRCA2 protein (p.Leu553Ser). This variant is present in population databases (no rsID available, gnomAD 0.002%). This variant has not been reported in the literature in individuals affected with BRCA2-related conditions. ClinVar contains an entry for this variant (Variation ID: 232220). Advanced modeling of protein sequence and biophysical properties (such as structural, functional, and spatial information, amino acid conservation, physicochemical variation, residue mobility, and thermodynamic stability) performed at Invitae indicates that this missense variant is not expected to disrupt BRCA2 protein function with a negative predictive value of 95%. In summary, the available evidence is currently insufficient to determine the role of this variant in disease. Therefore, it has been classified as a Variant of Uncertain Significance.

University of Washington Department of Laboratory Medicine, University of Washington
Classification: Likely benign for Hereditary cancer-predisposing syndrome. Last evaluated: 2023-03-23. Review status: criteria provided, single submitter. Criteria: Dines et al. (Genet Med. 2020). Collection method: curation. Allele origin: germline.
Comment: Missense variant in a coldspot region where missense variants are very unlikely to be pathogenic (PMID:31911673).

BRCA2 exon 10 coldspot. Reclassification based on statistical prior probability.